The following is an entry in ClinVar:

NM_004560.4(ROR2):c.2276C>T (p.Ala759Val)

Gene: ROR2 (receptor tyrosine kinase like orphan receptor 2; minus strand). Cytogenetic location: 9q22.31.
Variant type: single nucleotide variant.
Coding change: c.2276C>T on transcript NM_004560.4 (MANE Select); coding-DNA position 2276, C replaced by T.
Protein change: p.Ala759Val; replaces alanine 759 with valine.
Molecular consequence: missense variant.
Genome position (GRCh38, 1-based): chr9:91,724,218, G>A on the plus strand (C>T on the coding strand, the complement: ROR2 is on the minus strand). VCF-style: chr9-91724218-G-A. GRCh37 (hg19) VCF-style: chr9-94486500-G-A.
Other names: short protein forms A759V.
Identifiers: ClinVar variation 4750290 (VCV004750290.1).

ClinVar aggregate classification (germline): Uncertain significance (1 of 4 stars; one submission).

gnomAD v4.1: 5 of 1,613,354 alleles (0.00031%); highest among the groups gnomAD compares: East Asian, 0.0022%; no homozygotes.

Submission:

Labcorp Genetics (formerly Invitae), Labcorp
Classification: Uncertain significance. Last evaluated: 2025-06-13. Review status: criteria provided, single submitter. Criteria: Invitae Variant Classification Sherloc (09022015). Collection method: clinical testing. Allele origin: germline.
Comment: This sequence change replaces alanine, which is neutral and non-polar, with valine, which is neutral and non-polar, at codon 759 of the ROR2 protein (p.Ala759Val). This variant is present in population databases (no rsID available, gnomAD 0.002%). This variant has not been reported in the literature in individuals affected with ROR2-related conditions. Invitae Evidence Modeling of protein sequence and biophysical properties (such as structural, functional, and spatial information, amino acid conservation, physicochemical variation, residue mobility, and thermodynamic stability) indicates that this missense variant is not expected to disrupt ROR2 protein function with a negative predictive value of 80%. In summary, the available evidence is currently insufficient to determine the role of this variant in disease. Therefore, it has been classified as a Variant of Uncertain Significance.